The following is an entry in ClinVar:

ClinVar aggregate classification (germline): Uncertain significance (1 of 4 stars; one submission).

Allele frequency attached by ClinVar (database versions not stated): gnomAD exomes below 0.00001; gnomAD 0.00002.
gnomAD v4.1: 4 of 1,551,288 alleles (0.00026%); highest among the groups gnomAD compares: Admixed American, 0.0059%; no homozygotes.

Submission:

Labcorp Genetics (formerly Invitae), Labcorp
Classification: Uncertain significance. Last evaluated: 2021-09-01. Review status: criteria provided, single submitter. Criteria: Invitae Variant Classification Sherloc (09022015). Collection method: clinical testing. Allele origin: germline.
Comment: This sequence change replaces valine with phenylalanine at codon 1791 of the EYS protein (p.Val1791Phe). The valine residue is weakly conserved and there is a small physicochemical difference between valine and phenylalanine. This variant is not present in population databases (ExAC no frequency). This variant has not been reported in the literature in individuals affected with EYS-related conditions. Algorithms developed to predict the effect of missense changes on protein structure and function (SIFT, PolyPhen-2, Align-GVGD) all suggest that this variant is likely to be tolerated. In summary, the available evidence is currently insufficient to determine the role of this variant in disease. Therefore, it has been classified as a Variant of Uncertain Significance.

NM_001142800.2(EYS):c.5371G>T (p.Val1791Phe)

Gene: EYS (eyes shut homolog; minus strand). Cytogenetic location: 6q12.
Variant type: single nucleotide variant.
Coding change: c.5371G>T on transcript NM_001142800.2 (MANE Select); coding-DNA position 5371, G replaced by T.
Protein change: p.Val1791Phe; replaces valine 1791 with phenylalanine.
Molecular consequence: missense variant.
Genome position (GRCh38, 1-based): chr6:64,590,496, C>A on the plus strand (G>T on the coding strand, the complement: EYS is on the minus strand). VCF-style: chr6-64590496-C-A. GRCh37 (hg19) VCF-style: chr6-65300389-C-A.
Other names: c.5371G>T, p.Val1791Phe (NM_001292009.2); short protein forms V1791F.
Identifiers: ClinVar variation 1511841 (VCV001511841.5), dbSNP rs1766369643, ClinGen allele CA364781246.